The following is an entry in ClinVar:

NM_004380.3(CREBBP):c.5837C>T (p.Pro1946Leu)

Gene: CREBBP (CREB binding lysine acetyltransferase; minus strand). Cytogenetic location: 16p13.3.
Variant type: single nucleotide variant.
Coding change: c.5837C>T on transcript NM_004380.3 (MANE Select); coding-DNA position 5837, C replaced by T.
Protein change: p.Pro1946Leu; replaces proline 1946 with leucine.
Molecular consequence: missense variant.
Genome position (GRCh38, 1-based): chr16:3,729,210, G>A on the plus strand (C>T on the coding strand, the complement: CREBBP is on the minus strand). VCF-style: chr16-3729210-G-A. GRCh37 (hg19) VCF-style: chr16-3779211-G-A.
Other names: c.5723C>T, p.Pro1908Leu (NM_001079846.1); short protein forms P1908L, P1946L.
Identifiers: ClinVar variation 3358306 (VCV003358306.1).

ClinVar aggregate classification (germline): Uncertain significance (0 of 4 stars; one submission).

Conditions:
CREBBP-related disorder. Also called: CREBBP-related condition; CREBBP-related disorders.

gnomAD v4.1: 6 of 1,526,734 alleles (0.00039%); highest among the groups gnomAD compares: Non-Finnish European, 0.00053%; no homozygotes.

Submission:

PreventionGenetics, part of Exact Sciences
Classification: Uncertain significance for CREBBP-related condition. Last evaluated: 2024-04-04. Review status: no assertion criteria provided. Collection method: clinical testing. Allele origin: germline.
Comment: The CREBBP c.5837C>T variant is predicted to result in the amino acid substitution p.Pro1946Leu. To our knowledge, this variant has not been reported in the literature. This variant is reported in 0.0046% of alleles in individuals of European (Non-Finnish) descent in gnomAD. At this time, the clinical significance of this variant is uncertain due to the absence of conclusive functional and genetic evidence.